The following is an entry in ClinVar:

NM_001903.5(CTNNA1):c.105+2T>C

Gene: CTNNA1 (catenin alpha 1; plus strand). Cytogenetic location: 5q31.2.
Variant type: single nucleotide variant.
Coding change: c.105+2T>C on transcript NM_001903.5 (MANE Select); the canonical splice donor site of the intron after coding-DNA position 105, T replaced by C.
Molecular consequence: splice donor variant.
Genome position (GRCh38, 1-based): chr5:138,782,031, T>C. VCF-style: chr5-138782031-T-C. GRCh37 (hg19) VCF-style: chr5-138117720-T-C.
Other names: c.105+2T>C (NM_001323982.2, NM_001323984.2, NM_001290307.3 and 3 more transcripts); c.-102+2T>C (NM_001290310.3); c.-9+2T>C (NM_001290309.3).
Identifiers: ClinVar variation 4714990 (VCV004714990.1).

ClinVar aggregate classification (germline): Likely pathogenic (1 of 4 stars; one submission).

Submission:

Labcorp Genetics (formerly Invitae), Labcorp
Classification: Likely pathogenic. Last evaluated: 2025-03-12. Review status: criteria provided, single submitter. Criteria: Invitae Variant Classification Sherloc (09022015). Collection method: clinical testing. Allele origin: germline.
Comment: This sequence change affects a donor splice site in intron 2 of the CTNNA1 gene. It is expected to disrupt RNA splicing. Variants that disrupt the donor or acceptor splice site typically lead to a loss of protein function (PMID: 16199547), and loss-of-function variants in CTNNA1 are known to be pathogenic (PMID: 32051609, 34425242). This variant is not present in population databases (gnomAD no frequency). Disruption of this splice site has been observed in individual(s) with diffuse gastric cancer (internal data). Algorithms developed to predict the effect of sequence changes on RNA splicing suggest that this variant may disrupt the consensus splice site. In summary, the currently available evidence indicates that the variant is pathogenic, but additional data are needed to prove that conclusively. Therefore, this variant has been classified as Likely Pathogenic.

Literature cited by the submitters: PubMed 16199547; PubMed 32051609; PubMed 34425242.